The following is an entry in ClinVar:

NM_016312.3(WBP11):c.533G>A (p.Arg178Gln)

Gene: WBP11 (WW domain binding protein 11; minus strand). Cytogenetic location: 12p12.3.
Variant type: single nucleotide variant.
Coding change: c.533G>A on transcript NM_016312.3 (MANE Select); coding-DNA position 533, G replaced by A.
Protein change: p.Arg178Gln; replaces arginine 178 with glutamine.
Molecular consequence: missense variant.
Genome position (GRCh38, 1-based): chr12:14,794,725, C>T on the plus strand (G>A on the coding strand, the complement: WBP11 is on the minus strand). VCF-style: chr12-14794725-C-T. GRCh37 (hg19) VCF-style: chr12-14947659-C-T.
Other names: short protein forms R178Q.
Identifiers: ClinVar variation 3236610 (VCV003236610.1), dbSNP rs753291613, ClinGen allele CA6464412.
Genomic context (GRCh38, chr12:14,794,725, plus strand): 5'-TTTCTGCCAGGGGGCAAACGTGGAACACCATGTCCAAGAAGAGGAAGGATAGAAACTGCC[C>T]GAGTTGGAGGTCTGTTAAAAAAAAAAACAAAAACAAAAAAACCCCCACAGTAATCACTTA-3'
Protein context (NP_057396.1, residues 168-188): KKTSAYGPPT[Arg178Gln]AVSILPLLGH

ClinVar aggregate classification (germline): Uncertain significance (1 of 4 stars; one submission).

Conditions:
Vertebral, cardiac, tracheoesophageal, renal, and limb defects. Also called: VCTERL SYNDROME. Identifiers: MedGen C5543189, MONDO:0030987, OMIM 619227.

Allele frequency attached by ClinVar (database versions not stated): gnomAD exomes 0.00001; ExAC 0.00002; gnomAD 0.00003.
gnomAD v4.1: 16 of 1,554,768 alleles (0.001%); highest among the groups gnomAD compares: Non-Finnish European, 0.0014%; no homozygotes.

Submission:

Clinical Genomics Laboratory, Washington University in St. Louis
Classification: Uncertain significance for Vertebral, cardiac, tracheoesophageal, renal, and limb defects. Last evaluated: 2024-02-01. Review status: criteria provided, single submitter. Criteria: ACMG Guidelines, 2015. Collection method: clinical testing. Allele origin: germline.
Comment: The WBP11 c.533G>A (p.Arg178Gln) variant, to our knowledge, has not been reported in the medical literature and is only observed on 4/227,162 alleles in the general population (gnomAD v.2.1.1), indicating it is not a common variant. This variant is predicted to occur in a non-structured region, changes a positively charged arginine to a polar glutamine, but computational predictors suggest that the variant does not impact WBP11 function. Due to limited information, and based on ACMG/AMP guidelines for variant interpretation (Richards S et al., PMID: 25741868), the clinical significance of this variant is uncertain at this time.